The following is an entry in ClinVar:

NM_000203.5(IDUA):c.1435G>A (p.Gly479Arg)

Gene: IDUA (alpha-L-iduronidase; plus strand). Cytogenetic location: 4p16.3.
Variant type: single nucleotide variant.
Coding change: c.1435G>A on transcript NM_000203.5 (MANE Select); coding-DNA position 1435, G replaced by A.
Protein change: p.Gly479Arg; replaces glycine 479 with arginine.
Molecular consequence: missense variant. On other transcripts: non-coding transcript variant (1).
Genome position (GRCh38, 1-based): chr4:1,003,068, G>A. VCF-style: chr4-1003068-G-A. GRCh37 (hg19) VCF-style: chr4-996856-G-A.
Other names: c.1039G>A, p.Gly347Arg (NM_001363576.1); short protein forms G347R, G479R.
Identifiers: ClinVar variation 2979954 (VCV002979954.3), dbSNP rs746110764, ClinGen allele CA355964583.
Genomic context (GRCh38, chr4:1,003,068, plus strand): 5'-GCCGAGGCCTGAGTGTCAGGCCCCGCAGGCCTGGTCTACGTCACGCGCTACCTGGACAAC[G>A]GGCTCTGCAGCCCCGACGGCGAGTGGCGGCGCCTGGGCCGGCCCGTCTTCCCCACGGCAG-3'
Protein context (NP_000194.2, residues 469-489): LVYVTRYLDN[Gly479Arg]LCSPDGEWRR

ClinVar aggregate classification (germline): Uncertain significance (1 of 4 stars; one submission).

Conditions:
Mucopolysaccharidosis type 1. Also called: Mucopolysaccharidosis Type I; IDUA deficiency; MPS I. Identifiers: Orphanet 579, MedGen C0023786, MONDO:0001586.

gnomAD v4.1: 5 of 1,520,956 alleles (0.00033%); highest among the groups gnomAD compares: Non-Finnish European, 0.00044%; no homozygotes.

Submission:

Labcorp Genetics (formerly Invitae), Labcorp
Classification: Uncertain significance for Mucopolysaccharidosis type 1. Last evaluated: 2023-12-28. Review status: criteria provided, single submitter. Criteria: Invitae Variant Classification Sherloc (09022015). Collection method: clinical testing. Allele origin: germline.
Comment: This sequence change replaces glycine, which is neutral and non-polar, with arginine, which is basic and polar, at codon 479 of the IDUA protein (p.Gly479Arg). This variant is not present in population databases (gnomAD no frequency). This variant has not been reported in the literature in individuals affected with IDUA-related conditions. Advanced modeling of protein sequence and biophysical properties (such as structural, functional, and spatial information, amino acid conservation, physicochemical variation, residue mobility, and thermodynamic stability) performed at Invitae indicates that this missense variant is not expected to disrupt IDUA protein function with a negative predictive value of 95%. In summary, the available evidence is currently insufficient to determine the role of this variant in disease. Therefore, it has been classified as a Variant of Uncertain Significance.